The following is an entry in ClinVar:

ClinVar aggregate classification (germline): Uncertain significance. Review status: criteria provided, multiple submitters, no conflicts (2 of 4 stars). 4 submissions from 4 submitters: Uncertain significance (4). Last evaluated 2024-04-07.

Conditions:
Microcephaly, normal intelligence and immunodeficiency (NBS). Also called: IMMUNODEFICIENCY, MICROCEPHALY, AND CHROMOSOMAL INSTABILITY; SEEMANOVA SYNDROME II; Immunodeficiency, microcephaly with normal intelligence; Ataxia telangiectasia variant V1; Nijmegen breakage syndrome; Microcephaly with normal intelligence immunodeficiency and lymphoreticular malignancies. Identifiers: Orphanet 647, MedGen C0398791, MONDO:0009623, OMIM 251260.
Hereditary cancer-predisposing syndrome. Also called: Hereditary neoplastic syndrome; Neoplastic Syndromes, Hereditary; Tumor predisposition; Hereditary Cancer Syndrome. Identifiers: Orphanet 140162, MedGen C0027672, MeSH D009386, MONDO:0015356.

Allele frequency attached by ClinVar (database versions not stated): TOPMed below 0.00001.

Submissions (4):

Ambry Genetics
Classification: Uncertain significance for Hereditary cancer-predisposing syndrome. Last evaluated: 2024-04-07. Review status: criteria provided, single submitter. Criteria: Ambry Variant Classification Scheme 2023. Collection method: clinical testing. Allele origin: germline.
Comment: The p.A713G variant (also known as c.2138C>G), located in coding exon 14 of the NBN gene, results from a C to G substitution at nucleotide position 2138. The alanine at codon 713 is replaced by glycine, an amino acid with similar properties. This amino acid position is well conserved in available vertebrate species. In addition, this alteration is predicted to be tolerated by in silico analysis. Since supporting evidence is limited at this time, the clinical significance of this alteration remains unclear.

Labcorp Genetics (formerly Invitae), Labcorp
Classification: Uncertain significance for Microcephaly, normal intelligence and immunodeficiency. Last evaluated: 2024-03-03. Review status: criteria provided, single submitter. Criteria: Invitae Variant Classification Sherloc (09022015). Collection method: clinical testing. Allele origin: germline.
Comment: This sequence change replaces alanine, which is neutral and non-polar, with glycine, which is neutral and non-polar, at codon 713 of the NBN protein (p.Ala713Gly). This variant is not present in population databases (gnomAD no frequency). This variant has not been reported in the literature in individuals affected with NBN-related conditions. ClinVar contains an entry for this variant (Variation ID: 411787). An algorithm developed to predict the effect of missense changes on protein structure and function (PolyPhen-2) suggests that this variant is likely to be disruptive. In summary, the available evidence is currently insufficient to determine the role of this variant in disease. Therefore, it has been classified as a Variant of Uncertain Significance.

Institute for Biomarker Research, Medical Diagnostic Laboratories, L.L.C.
Classification: Uncertain significance for Hereditary cancer-predisposing syndrome. Last evaluated: 2023-09-26. Review status: criteria provided, single submitter. Criteria: ACMG Guidelines, 2015. Collection method: clinical testing. Allele origin: germline.

Genome-Nilou Lab
Classification: Uncertain significance for Microcephaly, normal intelligence and immunodeficiency. Last evaluated: 2021-11-07. Review status: criteria provided, single submitter. Criteria: ACMG Guidelines, 2015. Collection method: clinical testing. Allele origin: germline. Affected: no.

NM_002485.5(NBN):c.2138C>G (p.Ala713Gly)

Gene: NBN (nibrin; minus strand). Cytogenetic location: 8q21.3.
Variant type: single nucleotide variant.
Coding change: c.2138C>G on transcript NM_002485.5 (MANE Select); coding-DNA position 2138, C replaced by G.
Protein change: p.Ala713Gly; replaces alanine 713 with glycine.
Molecular consequence: missense variant.
Genome position (GRCh38, 1-based): chr8:89,943,299, G>C on the plus strand (C>G on the coding strand, the complement: NBN is on the minus strand). VCF-style: chr8-89943299-G-C. GRCh37 (hg19) VCF-style: chr8-90955527-G-C.
Other names: c.1892C>G, p.Ala631Gly (NM_001024688.3); short protein forms A713G, A631G.
Identifiers: ClinVar variation 411787 (VCV000411787.17), dbSNP rs986903713, ClinGen allele CA16612646.